The following is an entry in ClinVar:

NM_152703.5(SAMD9L):c.559A>G (p.Thr187Ala)

Gene: SAMD9L (sterile alpha motif domain containing 9 like; minus strand). Cytogenetic location: 7q21.2.
Variant type: single nucleotide variant.
Coding change: c.559A>G on transcript NM_152703.5 (MANE Select); coding-DNA position 559, A replaced by G.
Protein change: p.Thr187Ala; replaces threonine 187 with alanine.
Molecular consequence: missense variant.
Genome position (GRCh38, 1-based): chr7:93,135,413, T>C on the plus strand (A>G on the coding strand, the complement: SAMD9L is on the minus strand). VCF-style: chr7-93135413-T-C. GRCh37 (hg19) VCF-style: chr7-92764726-T-C.
Other names: c.559A>G, p.Thr187Ala (NM_001303496.3, NM_001303497.3, NM_001303498.3 and 5 more transcripts); short protein forms T187A.
Identifiers: ClinVar variation 3361988 (VCV003361988.1).

ClinVar aggregate classification (germline): Uncertain significance (1 of 4 stars; one submission).

Submission:

GeneDx
Classification: Uncertain significance. Last evaluated: 2023-05-24. Review status: criteria provided, single submitter. Criteria: GeneDx Variant Classification Process June 2021. Collection method: clinical testing. Allele origin: germline. Affected: yes.
Comment: Not observed at significant frequency in large population cohorts (gnomAD); In silico analysis supports that this missense variant does not alter protein structure/function; Has not been previously published as pathogenic or benign to our knowledge